The following is an entry in ClinVar:

NM_000179.3(MSH6):c.3026A>G (p.Lys1009Arg)

Gene: MSH6 (mutS homolog 6; plus strand). Cytogenetic location: 2p16.3.
Variant type: single nucleotide variant.
Coding change: c.3026A>G on transcript NM_000179.3 (MANE Select); coding-DNA position 3026, A replaced by G.
Protein change: p.Lys1009Arg; replaces lysine 1009 with arginine.
Molecular consequence: missense variant.
Genome position (GRCh38, 1-based): chr2:47,801,009, A>G. VCF-style: chr2-47801009-A-G. GRCh37 (hg19) VCF-style: chr2-48028148-A-G.
Other names: c.2636A>G, p.Lys879Arg (NM_001281492.2); c.2120A>G, p.Lys707Arg (NM_001281493.2, NM_001281494.2); short protein forms K1009R, K879R, K707R.
Identifiers: ClinVar variation 567839 (VCV000567839.12), dbSNP rs587781593, ClinGen allele CA346756451.
Genomic context (GRCh38, chr2:47,801,009, plus strand): 5'-ATTTGCCAGAAGAATACGAGTTGAAATCTACCAAGAAGGGCTGTAAACGATACTGGACCA[A>G]AACTATTGAAAAGAAGTTGGCTAATCTCATAAATGCTGAAGAACGGAGGGATGTATCATT-3'
Protein context (NP_000170.1, residues 999-1019): TKKGCKRYWT[Lys1009Arg]TIEKKLANLI

ClinVar aggregate classification (germline): Uncertain significance. Review status: criteria provided, multiple submitters, no conflicts (2 of 4 stars). 2 submissions from 2 submitters: Uncertain significance (2). Last evaluated 2026-01-15.

Conditions:
Hereditary nonpolyposis colorectal neoplasms. Identifiers: MedGen C0009405, MeSH D003123.
Hereditary cancer-predisposing syndrome. Also called: Neoplastic Syndromes, Hereditary; Hereditary neoplastic syndrome; Tumor predisposition; Hereditary Cancer Syndrome. Identifiers: Orphanet 140162, MedGen C0027672, MeSH D009386, MONDO:0015356.

Submissions (2):

Ambry Genetics
Classification: Uncertain significance for Hereditary cancer-predisposing syndrome. Last evaluated: 2026-01-15. Review status: criteria provided, single submitter. Criteria: Ambry Variant Classification Scheme 2023. Collection method: clinical testing. Allele origin: germline.
Comment: The p.K1009R variant (also known as c.3026A>G), located in coding exon 4 of the MSH6 gene, results from an A to G substitution at nucleotide position 3026. The lysine at codon 1009 is replaced by arginine, an amino acid with highly similar properties. This amino acid position is conserved. In addition, the in silico prediction for this alteration is inconclusive. Based on the available evidence, the clinical significance of this variant remains unclear.

Labcorp Genetics (formerly Invitae), Labcorp
Classification: Uncertain significance for Hereditary nonpolyposis colorectal neoplasms. Last evaluated: 2025-10-23. Review status: criteria provided, single submitter. Criteria: Invitae Variant Classification Sherloc (09022015). Collection method: clinical testing. Allele origin: germline.
Comment: This sequence change replaces lysine, which is basic and polar, with arginine, which is basic and polar, at codon 1009 of the MSH6 protein (p.Lys1009Arg). This variant is not present in population databases (gnomAD no frequency). This variant has not been reported in the literature in individuals affected with MSH6-related conditions. ClinVar contains an entry for this variant (Variation ID: 567839). Invitae Evidence Modeling of protein sequence and biophysical properties (such as structural, functional, and spatial information, amino acid conservation, physicochemical variation, residue mobility, and thermodynamic stability) indicates that this missense variant is not expected to disrupt MSH6 protein function with a negative predictive value of 95%. In summary, the available evidence is currently insufficient to determine the role of this variant in disease. Therefore, it has been classified as a Variant of Uncertain Significance.